The following is an entry in ClinVar:

ClinVar aggregate classification (germline): Uncertain significance (1 of 4 stars; one submission).

Submission:

Labcorp Genetics (formerly Invitae), Labcorp
Classification: Uncertain significance. Last evaluated: 2024-09-16. Review status: criteria provided, single submitter. Criteria: Invitae Variant Classification Sherloc (09022015). Collection method: clinical testing. Allele origin: germline.
Comment: This sequence change replaces methionine, which is neutral and non-polar, with arginine, which is basic and polar, at codon 265 of the OTOA protein (p.Met265Arg). This variant is not present in population databases (gnomAD no frequency). This missense change has been observed in individual(s) with deafness (internal data). In at least one individual the data is consistent with being in trans (on the opposite chromosome) from a pathogenic variant. An algorithm developed to predict the effect of missense changes on protein structure and function (PolyPhen-2) suggests that this variant is likely to be disruptive. In summary, the available evidence is currently insufficient to determine the role of this variant in disease. Therefore, it has been classified as a Variant of Uncertain Significance.

NM_144672.4(OTOA):c.794T>G (p.Met265Arg)

Gene: OTOA (otoancorin). Cytogenetic location: 16p12.2.
Variant type: single nucleotide variant.
Coding change: c.794T>G on transcript NM_144672.4 (MANE Select); coding-DNA position 794, T replaced by G.
Protein change: p.Met265Arg; replaces methionine 265 with arginine.
Molecular consequence: missense variant.
Genome position (GRCh38, 1-based): chr16:21,697,829, T>G. VCF-style: chr16-21697829-T-G. GRCh37 (hg19) VCF-style: chr16-21709150-T-G.
Other names: c.557T>G, p.Met186Arg (NM_001161683.2); short protein forms M186R, M265R.
Identifiers: ClinVar variation 3717582 (VCV003717582.2).